The following is an entry in ClinVar:

ClinVar aggregate classification (germline): Uncertain significance. Review status: criteria provided, multiple submitters, no conflicts (2 of 4 stars). 3 submissions from 3 submitters: Uncertain significance (3). Last evaluated 2026-02-01.

Conditions:
Inborn genetic diseases. Identifiers: MedGen C0950123, MeSH D030342.
Immunodeficiency 14 (IMD14A). Also called: Activated PI3K Delta Syndrome Type 1 (APDS1); IMMUNODEFICIENCY 14A WITH LYMPHOPROLIFERATION, AUTOSOMAL DOMINANT; p110-DELTA-ACTIVATING MUTATION CAUSING SENESCENT T CELLS, LYMPHADENOPATHY, AND IMMUNODEFICIENCY; ACTIVATED PI3K-DELTA SYNDROME 1. Identifiers: Orphanet 397596, Orphanet 693661, MedGen C5907821, MONDO:0014222, OMIM 615513.

Allele frequency attached by ClinVar (database versions not stated): gnomAD exomes 0.00005 and 0.00003; ESP Exome Variant Server 0.00008; ExAC 0.00002; gnomAD 0.00004 and 0.00005; TOPMed 0.00004.
gnomAD v4.1: 77 of 1,613,272 alleles (0.0048%); highest among the groups gnomAD compares: Non-Finnish European, 0.0057%; no homozygotes.

Submissions (3):

CeGaT Center for Human Genetics Tuebingen
Classification: Uncertain significance. Last evaluated: 2026-02-01. Review status: criteria provided, single submitter. Criteria: CeGaT Center For Human Genetics Tuebingen Variant Classification Criteria Version 2. Collection method: clinical testing. Allele origin: germline. Affected: yes. Observed: 1 variant allele.
Comment: PIK3CD: PM2

Ambry Genetics
Classification: Uncertain significance for Inborn genetic diseases. Last evaluated: 2025-12-22. Review status: criteria provided, single submitter. Criteria: Ambry Variant Classification Scheme 2023. Collection method: clinical testing. Allele origin: germline.

Labcorp Genetics (formerly Invitae), Labcorp
Classification: Uncertain significance for Activated PI3K-delta syndrome. Last evaluated: 2025-08-07. Review status: criteria provided, single submitter. Criteria: Invitae Variant Classification Sherloc (09022015). Collection method: clinical testing. Allele origin: germline.
Comment: This sequence change replaces arginine, which is basic and polar, with glutamine, which is neutral and polar, at codon 601 of the PIK3CD protein (p.Arg601Gln). This variant is present in population databases (rs138090835, gnomAD 0.005%). This variant has not been reported in the literature in individuals affected with PIK3CD-related conditions. ClinVar contains an entry for this variant (Variation ID: 575784). Invitae Evidence Modeling of protein sequence and biophysical properties (such as structural, functional, and spatial information, amino acid conservation, physicochemical variation, residue mobility, and thermodynamic stability) indicates that this missense variant is not expected to disrupt PIK3CD protein function with a negative predictive value of 80%. In summary, the available evidence is currently insufficient to determine the role of this variant in disease. Therefore, it has been classified as a Variant of Uncertain Significance.

NM_005026.5(PIK3CD):c.1802G>A (p.Arg601Gln)

Gene: PIK3CD (phosphatidylinositol-4,5-bisphosphate 3-kinase catalytic subunit delta; plus strand). Cytogenetic location: 1p36.22.
Variant type: single nucleotide variant.
Coding change: c.1802G>A on transcript NM_005026.5 (MANE Select); coding-DNA position 1802, G replaced by A.
Protein change: p.Arg601Gln; replaces arginine 601 with glutamine.
Molecular consequence: missense variant.
Genome position (GRCh38, 1-based): chr1:9,721,239, G>A. VCF-style: chr1-9721239-G-A. GRCh37 (hg19) VCF-style: chr1-9781297-G-A.
Other names: c.1799G>A, p.Arg600Gln (NM_001350234.2); c.1715G>A, p.Arg572Gln (NM_001350235.1); c.1802G>A (LRG_191t1); short protein forms R601Q, R572Q, R600Q.
Identifiers: ClinVar variation 575784 (VCV000575784.13), dbSNP rs138090835, ClinGen allele CA577326.
Genomic context (GRCh38, chr1:9,721,239, plus strand): 5'-AGCTGCTAGACTTCAGCTTCCCCGATTGCCACGTAGGCTCCTTCGCCATCAAGTCGCTGC[G>A]GAAACTGACGTGAGTCCCAGCTGGGCGCTCCCCACTTCTCCAGAGGGCAGCTGTGTCCTG-3'
Protein context (NP_005017.3, residues 591-611): HVGSFAIKSL[Arg601Gln]KLTDDELFQY